The following is an entry in ClinVar:

NM_000419.5(ITGA2B):c.1750C>T (p.Arg584Ter)

Gene: ITGA2B (integrin subunit alpha 2b; minus strand). Cytogenetic location: 17q21.31.
Variant type: single nucleotide variant.
Coding change: c.1750C>T on transcript NM_000419.5 (MANE Select); coding-DNA position 1750, C replaced by T.
Protein change: p.Arg584Ter; replaces arginine 584 with a stop codon.
Molecular consequence: nonsense.
Genome position (GRCh38, 1-based): chr17:44,380,004, G>A on the plus strand (C>T on the coding strand, the complement: ITGA2B is on the minus strand). VCF-style: chr17-44380004-G-A. GRCh37 (hg19) VCF-style: chr17-42457372-G-A.
Other names: c.1750C>T, p.Arg584Ter (LRG_479t1); c.1750C>T (NM_000419.3); short protein forms R584*.
Identifiers: ClinVar variation 2892 (VCV000002892.22), dbSNP rs137852906, ClinGen allele CA115834.

ClinVar aggregate classification (germline): Pathogenic. Review status: reviewed by expert panel (3 of 4 stars). 7 submissions from 7 submitters: Pathogenic (1). 6 of the submissions do not count toward it. Last evaluated 2020-09-04.

Conditions:
Platelet-type bleeding disorder 16 (BDPLT16). Also called: Bleeding disorder, platelet-type, 16, autosomal dominant. Identifiers: Orphanet 140957, MedGen C5442010, MONDO:0008552, OMIM 187800.
Glanzmann thrombasthenia 1 (GT1). Also called: BLEEDING DISORDER, PLATELET-TYPE, 2; GP IIb-IIIa COMPLEX DEFICIENCY; GLYCOPROTEIN COMPLEX IIb-IIIa DEFICIENCY; PLATELET FIBRINOGEN RECEPTOR DEFICIENCY. Identifiers: MedGen CN300358, MONDO:0031332, OMIM 273800.
ITGA2B-related disorder. Also called: ITGA2B-related disorders; ITGA2B-related condition.
Glanzmann thrombasthenia. Also called: THROMBASTHENIA OF GLANZMANN AND NAEGELI; PLATELET GLYCOPROTEIN IIb-IIIa DEFICIENCY; Glanzmann's thrombasthenia; Thrombasthenia. Identifiers: Orphanet 849, MedGen C0040015, MONDO:0100326.

Allele frequency attached by ClinVar (database versions not stated): ExAC 0.00002; TOPMed 0.00002.

Submissions (7):

ClinGen Platelet Disorders Variant Curation Expert Panel, ClinGen
Classification: Pathogenic for Glanzmann thrombasthenia. Last evaluated: 2020-09-04. Review status: reviewed by expert panel. Criteria: ClinGen Platelet ACMG Specifications v2. Collection method: curation. Allele origin: germline. Inheritance: Autosomal recessive inheritance.
Comment: The NM_000419.4:c.1750C>T that leads to Arg584Ter is a nonsense variant that has been reported in several GT patients meeting phenotype criteria in the homozygous as well as compound heterozygous states (PMIDs: 25728920, 28888044, 22250950, 9215749, 29675921). It is reported at a frequency >0.0001 in the combined gnomAD v3 and v2.1.1 datasets. This nonsense variant occurs in exon 17 out of 30 and is predicted to result in NMD. In summary, this variant meets criteria to be classified as pathogenic. GT-specific codes applied: PVS1, PP4_strong.

Blueprint Genetics
Classification: Pathogenic for ITGA2B-related disorders. Last evaluated: 2024-01-02. Review status: criteria provided, single submitter. Criteria: ACMG Guidelines, 2015. Collection method: clinical testing. Allele origin: germline. Affected: yes. Observed: 3 variant alleles. Not counted in ClinVar's aggregate classification.

Labcorp Genetics (formerly Invitae), Labcorp
Classification: Pathogenic for Glanzmann thrombasthenia. Last evaluated: 2023-12-31. Review status: criteria provided, single submitter. Criteria: Invitae Variant Classification Sherloc (09022015). Collection method: clinical testing. Allele origin: germline. Not counted in ClinVar's aggregate classification.
Comment: This sequence change creates a premature translational stop signal (p.Arg584*) in the ITGA2B gene. It is expected to result in an absent or disrupted protein product. Loss-of-function variants in ITGA2B are known to be pathogenic (PMID: 21917754). This variant is present in population databases (rs137852906, gnomAD 0.02%). This premature translational stop signal has been observed in individual(s) with autosomal recessive Glanzmann’s thrombasthenia (PMID: 1317725, 22190468, 30138987). ClinVar contains an entry for this variant (Variation ID: 2892). Algorithms developed to predict the effect of sequence changes on RNA splicing suggest that this variant may disrupt the consensus splice site. For these reasons, this variant has been classified as Pathogenic.

Department of Pathology and Laboratory Medicine, Sinai Health System
Classification: Likely pathogenic for Platelet-type bleeding disorder 16; Glanzmann thrombasthenia 1. Last evaluated: 2023-02-21. Review status: criteria provided, single submitter. Criteria: ACMG Guidelines, 2015. Collection method: research. Allele origin: germline. Not counted in ClinVar's aggregate classification.

GeneDx
Classification: Pathogenic. Last evaluated: 2022-02-11. Review status: criteria provided, single submitter. Criteria: GeneDx Variant Classification Process June 2021. Collection method: clinical testing. Allele origin: germline. Affected: yes. Not counted in ClinVar's aggregate classification.
Comment: Observed in apparent homozygous state or with a second ITGA2B variant in multiple unrelated patients with Glanzmann thrombasthenia in published literature (PMID: 25728920, 29675921, 34066320); Nonsense variant predicted to result in protein truncation or nonsense mediated decay in a gene for which loss-of-function is a known mechanism of disease; Classified as pathogenic by the ClinGen Platelet Disorders Variant Curation Expert Panel (ClinVar SCV001397558.3); This variant is associated with the following publications: (PMID: 25525159, 7482399, 32237906, 30138987, 22190468, 17083650, 1317725, 34066320, 29675921, 25728920)

Juno Genomics, Hangzhou Juno Genomics, Inc
Classification: Pathogenic for Platelet-type bleeding disorder 16; Glanzmann thrombasthenia 1. Review status: criteria provided, single submitter. Criteria: ACMG Guidelines, 2015. Collection method: clinical testing. Allele origin: germline. Affected: yes. Not counted in ClinVar's aggregate classification.
Comment: Null variant in a gene where loss of function (LOF) is a known mechanism of disease.;For recessive disorders, detected in trans with a pathogenic variant.;Patient's phenotype or family history is highly specific for a disease with a single genetic etiology.

OMIM
Classification: Pathogenic for GLANZMANN THROMBASTHENIA 1. Last evaluated: 1992-06-15. Review status: no assertion criteria provided. Collection method: literature only. Allele origin: germline. Not counted in ClinVar's aggregate classification.

Literature cited by the submitters: PubMed 21917754 (cited by Labcorp Genetics (formerly Invitae), Labcorp); PubMed 1317725 (cited by Labcorp Genetics (formerly Invitae), Labcorp and OMIM); PubMed 22190468 (cited by Labcorp Genetics (formerly Invitae), Labcorp); PubMed 30138987 (cited by Labcorp Genetics (formerly Invitae), Labcorp).